The following is an entry in ClinVar:

ClinVar aggregate classification (germline): Uncertain significance (1 of 4 stars; one submission).

Conditions:
Dilated cardiomyopathy 1G (CMD1G). Identifiers: Orphanet 154, MedGen C1858763, MONDO:0011400, OMIM 604145.
Autosomal recessive limb-girdle muscular dystrophy type 2J (LGMDR10). Also called: Limb-girdle muscular dystrophy, type 2J; MUSCULAR DYSTROPHY, LIMB-GIRDLE, AUTOSOMAL RECESSIVE 10. Identifiers: Orphanet 140922, MedGen C1837342, MONDO:0012127, OMIM 608807.

Submission:

Labcorp Genetics (formerly Invitae), Labcorp
Classification: Uncertain significance for Dilated cardiomyopathy 1G; Autosomal recessive limb-girdle muscular dystrophy type 2J. Last evaluated: 2024-08-12. Review status: criteria provided, single submitter. Criteria: Invitae Variant Classification Sherloc (09022015). Collection method: clinical testing. Allele origin: germline.
Comment: This sequence change replaces glutamic acid, which is acidic and polar, with valine, which is neutral and non-polar, at codon 34797 of the TTN protein (p.Glu34797Val). This variant is not present in population databases (gnomAD no frequency). This variant has not been reported in the literature in individuals affected with TTN-related conditions. Experimental studies and prediction algorithms are not available or were not evaluated, and the functional significance of this variant is currently unknown. This variant is located in the M band of TTN (PMID: 25589632). Non-truncating variants in this region may be relevant for neuromuscular disorders, but have not been definitively shown to cause cardiomyopathy (PMID: 23975875). In summary, the available evidence is currently insufficient to determine the role of this variant in disease. Therefore, it has been classified as a Variant of Uncertain Significance.

Literature cited by the submitters: PubMed 25589632; PubMed 23975875.

NM_001267550.2(TTN):c.104390A>T (p.Glu34797Val)

Genes: TTN (titin; minus strand), TTN-AS1 (TTN antisense RNA 1; plus strand). Cytogenetic location: 2q31.2.
Variant type: single nucleotide variant.
Coding change: c.104390A>T on transcript NM_001267550.2 (MANE Select); coding-DNA position 104390, A replaced by T.
Protein change: p.Glu34797Val; replaces glutamic acid 34797 with valine.
Molecular consequence: missense variant.
Genome position (GRCh38, 1-based): chr2:178,532,225, T>A on the plus strand (A>T on the coding strand, the complement: TTN is on the minus strand). VCF-style: chr2-178532225-T-A. GRCh37 (hg19) VCF-style: chr2-179396952-T-A.
Other names: c.99467A>T, p.Glu33156Val (NM_001256850.1); c.77195A>T, p.Glu25732Val (NM_003319.4); c.96686A>T, p.Glu32229Val (NM_133378.4); c.77570A>T, p.Glu25857Val (NM_133432.3); c.77771A>T, p.Glu25924Val (NM_133437.4); short protein forms E25732V, E25857V, E25924V, E32229V, E33156V, E34797V.
Identifiers: ClinVar variation 3757635 (VCV003757635.2).